The following is an entry in ClinVar:

NM_001164508.2(NEB):c.11083T>C (p.Tyr3695His)

Gene: NEB (nebulin; minus strand). Cytogenetic location: 2q23.3.
Variant type: single nucleotide variant.
Coding change: c.11083T>C on transcript NM_001164508.2 (MANE Select); coding-DNA position 11083, T replaced by C.
Protein change: p.Tyr3695His; replaces tyrosine 3695 with histidine.
Molecular consequence: missense variant.
Genome position (GRCh38, 1-based): chr2:151,617,462, A>G on the plus strand (T>C on the coding strand, the complement: NEB is on the minus strand). VCF-style: chr2-151617462-A-G. GRCh37 (hg19) VCF-style: chr2-152473976-A-G.
Other names: NM_001164508.2:c.11083T>C; c.11083T>C, p.Tyr3695His (NM_001164507.2, NM_001271208.2); c.10354T>C, p.Tyr3452His (NM_004543.5); short protein forms Y3452H, Y3695H.
Identifiers: ClinVar variation 3776978 (VCV003776978.1).

ClinVar aggregate classification (germline): Uncertain significance (1 of 4 stars; one submission).

Conditions:
Nemaline myopathy. Also called: Myopathies, Nemaline. Identifiers: Orphanet 607, MedGen C0206157, MONDO:0018958.

gnomAD v4.1: 1 of 1,464,418 alleles (0.000068%); highest among the groups gnomAD compares: Non-Finnish European, 0.000091%; no homozygotes.

Submission:

Broad Center for Mendelian Genomics, Broad Institute of MIT and Harvard
Classification: Uncertain significance for Nemaline myopathy. Last evaluated: 2025-03-17. Review status: criteria provided, single submitter. Criteria: ACMG Guidelines, 2015. Collection method: curation. Allele origin: germline. Inheritance: Autosomal recessive inheritance.
Comment: The p.Tyr3695His variant in NEB has been reported in 2 individuals with nemaline myopathy (PMID: 16917880, 32675003), and has been identified in 0.00009% (1/1093940) of European (non-Finnish) chromosomes by the Genome Aggregation Database (gnomAD). Although this variant has been seen in the general population in a heterozygous state, its frequency is low enough to be consistent with a recessive carrier frequency. Of the 2 affected individuals, one was a compound heterozygote that carried a reported pathogenic variant in trans, which increases the likelihood that the p.Tyr3695His variant is pathogenic (Variation ID: 918157, PMID: 16917880). Computational prediction tools and conservation analyses suggest that this variant may impact the protein, though this information is not predictive enough to determine pathogenicity. In summary, while there is some suspicion for a pathogenic role, the clinical significance of this variant is uncertain. ACMG/AMP Criteria applied: PP3_moderate, PM3, PM2_supporting (Richards 2015).